The following is an entry in ClinVar:

NM_080425.4(GNAS):c.2069-5597G>T

Gene: GNAS (GNAS complex locus; plus strand). Cytogenetic location: 20q13.32.
Variant type: single nucleotide variant.
Coding change: c.2069-5597G>T on transcript NM_080425.4 (MANE Plus Clinical); 5597 bases into the intron before coding-DNA position 2069, G replaced by T.
Molecular consequence: intron variant.
Genome position (GRCh38, 1-based): chr20:58,890,015, G>T. VCF-style: chr20-58890015-G-T. GRCh37 (hg19) VCF-style: chr20-57465070-G-T.
Other names: c.*43-5597G>T (NM_016592.5); c.44-5597G>T (NM_001410912.1); c.-38-5597G>T (NM_001309861.2); c.*1-5597G>T (NM_001077490.3); c.2069-5597G>T (NM_001410913.1); c.*159-5597G>T (NM_001309883.1); c.-39+662G>T (NM_001438273.1, NM_001309840.2); c.-39+683G>T (NM_001439291.1, NM_001438274.1).
Identifiers: ClinVar variation 4535336 (VCV004535336.6).

ClinVar aggregate classification (germline): Likely benign (1 of 4 stars; one submission).

Submission:

CeGaT Center for Human Genetics Tuebingen
Classification: Likely benign. Last evaluated: 2025-11-01. Review status: criteria provided, single submitter. Criteria: CeGaT Center For Human Genetics Tuebingen Variant Classification Criteria Version 2. Collection method: clinical testing. Allele origin: germline. Affected: yes. Observed: 1 variant allele.
Comment: GNAS: PM2:Supporting, BP4, BP7